The following is an entry in ClinVar:

ClinVar aggregate classification (germline): Conflicting classifications of pathogenicity. Review status: criteria provided, conflicting classifications (1 of 4 stars). 8 submissions from 8 submitters: Uncertain significance (7); Likely benign (1). Last evaluated 2026-01-11.

Conditions:
Congenital dyserythropoietic anemia, type II (CDAN2). Also called: DYSERYTHROPOIETIC ANEMIA, HEMPAS TYPE. Identifiers: Orphanet 98873, MedGen C1306589, MONDO:0009134, OMIM 224100.
Cowden syndrome 7 (CWS7). Identifiers: Orphanet 201, MedGen C4225179, MONDO:0014802, OMIM 616858.
SEC23B-related disorder. Also called: SEC23B-related condition; SEC23B-related disorders.

Allele frequency attached by ClinVar (database versions not stated): ExAC 0.00007; gnomAD exomes 0.00013; 1000 Genomes Project 30x 0.00016; 1000 Genomes Project 0.00020; gnomAD 0.00027 and 0.00028; TOPMed 0.00028.
gnomAD v4.1: 188 of 1,614,108 alleles (0.012%); highest among the groups gnomAD compares: Admixed American, 0.1%; no homozygotes.

Submissions (8):

Labcorp Genetics (formerly Invitae), Labcorp
Classification: Likely benign for Congenital dyserythropoietic anemia, type II; Cowden syndrome 7. Last evaluated: 2026-01-11. Review status: criteria provided, single submitter. Criteria: Invitae Variant Classification Sherloc (09022015). Collection method: clinical testing. Allele origin: germline.

PreventionGenetics, part of Exact Sciences
Classification: Uncertain significance for SEC23B-related condition. Last evaluated: 2025-11-04. Review status: criteria provided, single submitter. Criteria: ACMG Guidelines, 2015. Collection method: clinical testing. Allele origin: germline.
Comment: The SEC23B c.569G>A variant is predicted to result in the amino acid substitution p.Arg190Gln. This variant was reported as a single variant in an individual with dyserythropoietic congenital anemia (Table 3, Moreno-Carralero et al. 2018. PubMed ID: 29901818) and together with second variant in SEC23B in fetus with increased nuchal transparency (Table S1, Gabriel et al. 2021. PubMed ID: 34958143). This variant is reported in 0.071% of alleles in individuals of Latino descent in gnomAD. At this time, the clinical significance of this variant is uncertain due to the absence of conclusive functional and genetic evidence.

Revvity Omics, Revvity
Classification: Uncertain significance. Last evaluated: 2024-08-13. Review status: criteria provided, single submitter. Criteria: ACMG Guidelines, 2015. Collection method: clinical testing. Allele origin: germline.

Blueprint Genetics
Classification: Uncertain significance. Last evaluated: 2024-07-02. Review status: criteria provided, single submitter. Criteria: ACMG Guidelines, 2015. Collection method: clinical testing. Allele origin: germline.

GeneDx
Classification: Uncertain significance. Last evaluated: 2023-03-27. Review status: criteria provided, single submitter. Criteria: GeneDx Variant Classification Process June 2021. Collection method: clinical testing. Allele origin: germline. Affected: yes.
Comment: Identified in the heterozygous state in a patient with anemia, jaundice, abnormal blood cell morphology, and transfusion dependence (Moreno-Carralero et al., 2018); Identified with another SEC23B variant, phase unknown, in a fetus with increased nuchal transparency in the published literature (Gabriel et al., 2022); In silico analysis supports that this missense variant has a deleterious effect on protein structure/function; This variant is associated with the following publications: (PMID: 29901818, 34958143)

ARUP Laboratories, Molecular Genetics and Genomics, ARUP Laboratories
Classification: Uncertain significance. Last evaluated: 2023-03-02. Review status: criteria provided, single submitter. Criteria: ARUP Molecular Germline Variant Investigation Process 2024. Collection method: clinical testing. Allele origin: germline.

Illumina Laboratory Services, Illumina
Classification: Uncertain significance for Congenital dyserythropoietic anemia, type II. Last evaluated: 2018-01-13. Review status: criteria provided, single submitter. Criteria: ICSL Variant Classification Criteria 13 December 2019. Collection method: clinical testing. Allele origin: germline.

Eurofins Ntd Llc (ga)
Classification: Uncertain significance. Last evaluated: 2014-06-12. Review status: criteria provided, single submitter. Criteria: EGL Classification Definitions 2015. Collection method: clinical testing. Allele origin: germline. Observed: 1 variant allele, 1 heterozygote.

NM_006363.6(SEC23B):c.569G>A (p.Arg190Gln)

Genes: SEC23B (SEC23 homolog B, COPII component; plus strand), LOC126862987 (MED14-independent group 3 enhancer GRCh37_chr20:18504796-18505995; plus strand). Cytogenetic location: 20p11.23.
Variant type: single nucleotide variant.
Coding change: c.569G>A on transcript NM_006363.6 (MANE Select); coding-DNA position 569, G replaced by A.
Protein change: p.Arg190Gln; replaces arginine 190 with glutamine.
Molecular consequence: missense variant.
Genome position (GRCh38, 1-based): chr20:18,524,635, G>A. VCF-style: chr20-18524635-G-A. GRCh37 (hg19) VCF-style: chr20-18505279-G-A.
Other names: c.569G>A, p.Arg190Gln (NM_001172745.3, NM_032985.6, NM_032986.5); c.515G>A, p.Arg172Gln (NM_001172746.3); short protein forms R190Q, R172Q.
Identifiers: ClinVar variation 197785 (VCV000197785.22), dbSNP rs201160833, ClinGen allele CA246116.